The following is an entry in ClinVar:

ClinVar aggregate classification (germline): Uncertain significance. Review status: criteria provided, multiple submitters, no conflicts (2 of 4 stars). 2 submissions from 2 submitters: Uncertain significance (2). Last evaluated 2025-11-26.

Conditions:
Colorectal cancer, susceptibility to, 12 (CRCS12). Also called: COLORECTAL CANCER, SUSCEPTIBILITY TO, ON CHROMOSOME 12q24. Identifiers: Orphanet 220460, MedGen C3554460, MONDO:0014038, OMIM 615083.

Submissions (2):

Labcorp Genetics (formerly Invitae), Labcorp
Classification: Uncertain significance. Last evaluated: 2025-11-26. Review status: criteria provided, single submitter. Criteria: Invitae Variant Classification Sherloc (09022015). Collection method: clinical testing. Allele origin: germline.
Comment: This variant, c.5892_5894del, results in the deletion of 1 amino acid(s) of the POLE protein (p.Glu1966del), but otherwise preserves the integrity of the reading frame. This variant is not present in population databases (gnomAD no frequency). This variant has not been reported in the literature in individuals affected with POLE-related conditions. ClinVar contains an entry for this variant (Variation ID: 584830). Experimental studies and prediction algorithms are not available or were not evaluated, and the functional significance of this variant is currently unknown. In summary, the available evidence is currently insufficient to determine the role of this variant in disease. Therefore, it has been classified as a Variant of Uncertain Significance.

Mendelics
Classification: Uncertain significance for Colorectal cancer, susceptibility to, 12. Last evaluated: 2019-05-28. Review status: criteria provided, single submitter. Criteria: Mendelics Assertion Criteria 2017. Collection method: clinical testing. Allele origin: unknown.

NM_006231.4(POLE):c.5883GGA[3] (p.Glu1966del)

Gene: POLE (DNA polymerase epsilon, catalytic subunit; minus strand). Cytogenetic location: 12q24.33.
Variant type: Microsatellite.
Coding change: c.5883GGA[3] on transcript NM_006231.4 (MANE Select); three copies in a row of the 3-base unit GGA starting at c.5883; the reference has four copies in a row; one copy, 3 bases deleted; also written c.5892_5894del.
Protein change: p.Glu1966del; deletes glutamic acid 1966.
Molecular consequence: inframe deletion.
Genome position (GRCh38, 1-based): chr12:132,634,296-132,634,298, TCC deleted on the plus strand (GGA on the coding strand, the reverse complement: POLE is on the minus strand); deleting any 3 consecutive bases within chr12:132,634,296-132,634,307 gives the same sequence; the position shown is the placement nearest the transcript's 3' end. VCF-style (leftmost placement, unchanged base first): chr12-132634295-TTCC-T. GRCh37 (hg19) VCF-style: chr12-133210881-TTCC-T.
Other names: c.5892_5894del (NM_006231.3); short protein forms E1966del.
Identifiers: ClinVar variation 584830 (VCV000584830.12), dbSNP rs757774039, ClinGen allele CA891843952.